The following is an entry in ClinVar:

NM_025219.3(DNAJC5):c.321+9G>A

Gene: DNAJC5 (DnaJ heat shock protein family (Hsp40) member C5; plus strand). Cytogenetic location: 20q13.33.
Variant type: single nucleotide variant.
Coding change: c.321+9G>A on transcript NM_025219.3 (MANE Select); 9 bases into the intron after coding-DNA position 321, G replaced by A.
Molecular consequence: intron variant.
Genome position (GRCh38, 1-based): chr20:63,929,534, G>A. VCF-style: chr20-63929534-G-A. GRCh37 (hg19) VCF-style: chr20-62560887-G-A.
Identifiers: ClinVar variation 387879 (VCV000387879.6), dbSNP rs763367010, ClinGen allele CA9969692.
Genomic context (GRCh38, chr20:63,929,534, plus strand): 5'-TGGGGAAGAGAACGTGAACACCTACTTCGTGCTGTCCAGCTGGTGGGCCAAGGTGAGGGC[G>A]AGCTGCCTGCCGTGCGGGCACCCGAGTCACTCCTGCCGTGCGGGCACCCGAGTCTCTCCT-3'

ClinVar aggregate classification (germline): Likely benign. Review status: criteria provided, multiple submitters, no conflicts (2 of 4 stars). 3 submissions from 3 submitters: Likely benign (3). Last evaluated 2024-09-29.

Conditions:
Neuronal ceroid lipofuscinosis. Also called: Neuronal Ceroid Lipofuscinoses. Identifiers: Orphanet 216, Orphanet 79263, MedGen C0027877, MONDO:0016295. Disease mechanism: loss of function.

Allele frequency attached by ClinVar (database versions not stated): gnomAD exomes below 0.00001; gnomAD 0.00001; ExAC 0.00002; TOPMed 0.00002.
gnomAD v4.1: 12 of 1,613,194 alleles (0.00074%); highest among the groups gnomAD compares: Non-Finnish European, 0.00085%; no homozygotes.

Submissions (3):

Labcorp Genetics (formerly Invitae), Labcorp
Classification: Likely benign for Neuronal ceroid lipofuscinosis. Last evaluated: 2024-09-29. Review status: criteria provided, single submitter. Criteria: Invitae Variant Classification Sherloc (09022015). Collection method: clinical testing. Allele origin: germline.

Blueprint Genetics
Classification: Likely benign. Last evaluated: 2022-04-11. Review status: criteria provided, single submitter. Criteria: ACMG Guidelines, 2015. Collection method: clinical testing. Allele origin: germline.

GeneDx
Classification: Likely benign. Last evaluated: 2016-07-20. Review status: criteria provided, single submitter. Criteria: GeneDx Variant Classification (06012015). Collection method: clinical testing. Allele origin: germline. Affected: yes.
Comment: This variant is considered likely benign or benign based on one or more of the following criteria: it is a conservative change, it occurs at a poorly conserved position in the protein, it is predicted to be benign by multiple in silico algorithms, and/or has population frequency not consistent with disease.